The following is an entry in ClinVar:

ClinVar aggregate classification (germline): Uncertain significance (1 of 4 stars; one submission).

gnomAD v4.1: 4 of 1,589,228 alleles (0.00025%); highest among the groups gnomAD compares: Non-Finnish European, 0.00034%; no homozygotes.

Submission:

Labcorp Genetics (formerly Invitae), Labcorp
Classification: Uncertain significance. Last evaluated: 2022-11-29. Review status: criteria provided, single submitter. Criteria: Invitae Variant Classification Sherloc (09022015). Collection method: clinical testing. Allele origin: germline.
Comment: This variant has not been reported in the literature in individuals affected with CEP78-related conditions. ClinVar contains an entry for this variant (Variation ID: 840318). Advanced modeling of protein sequence and biophysical properties (such as structural, functional, and spatial information, amino acid conservation, physicochemical variation, residue mobility, and thermodynamic stability) performed at Invitae indicates that this missense variant is not expected to disrupt CEP78 protein function. In summary, the available evidence is currently insufficient to determine the role of this variant in disease. Therefore, it has been classified as a Variant of Uncertain Significance. This sequence change replaces serine, which is neutral and polar, with isoleucine, which is neutral and non-polar, at codon 120 of the CEP78 protein (p.Ser120Ile). This variant is not present in population databases (gnomAD no frequency).

NM_001330691.3(CEP78):c.359G>T (p.Ser120Ile)

Gene: CEP78 (centrosomal protein 78; plus strand). Cytogenetic location: 9q21.2.
Variant type: single nucleotide variant.
Coding change: c.359G>T on transcript NM_001330691.3 (MANE Select); coding-DNA position 359, G replaced by T.
Protein change: p.Ser120Ile; replaces serine 120 with isoleucine.
Molecular consequence: missense variant.
Genome position (GRCh38, 1-based): chr9:78,240,128, G>T. VCF-style: chr9-78240128-G-T. GRCh37 (hg19) VCF-style: chr9-80855044-G-T.
Other names: c.359G>T, p.Ser120Ile (NM_001098802.3, NM_001330693.3, NM_001330694.2 and 4 more transcripts); short protein forms S120I.
Identifiers: ClinVar variation 840318 (VCV000840318.7), dbSNP rs770440873, ClinGen allele CA373999819.